The following is an entry in ClinVar:

NM_007194.4(CHEK2):c.1096-2A>G

Gene: CHEK2 (checkpoint kinase 2; minus strand). Cytogenetic location: 22q12.1.
Variant type: single nucleotide variant.
Coding change: c.1096-2A>G on transcript NM_007194.4 (MANE Select); the canonical splice acceptor site of the intron before coding-DNA position 1096, A replaced by G.
Molecular consequence: splice acceptor variant.
Genome position (GRCh38, 1-based): chr22:28,695,875, T>C on the plus strand (A>G on the coding strand, the complement: CHEK2 is on the minus strand). VCF-style: chr22-28695875-T-C. GRCh37 (hg19) VCF-style: chr22-29091863-T-C.
Other names: c.433-2A>G (NM_001437942.1, NM_001257387.3); c.895-2A>G (NM_001349956.3); c.1009-2A>G (NM_145862.3); c.1102-2A>G (NM_001438295.1); c.1189-2A>G (NM_001438293.1); c.1138-2A>G (NM_001438294.1); c.1225-2A>G (NM_001005735.3).
Identifiers: ClinVar variation 1494515 (VCV001494515.8), dbSNP rs2145807398, ClinGen allele CA411097249.

ClinVar aggregate classification (germline): Conflicting classifications of pathogenicity. Review status: criteria provided, conflicting classifications (1 of 4 stars). 2 submissions from 2 submitters: Likely pathogenic (1); Uncertain significance (1). Last evaluated 2025-11-18.

Conditions:
Hereditary cancer-predisposing syndrome. Also called: Tumor predisposition; Hereditary neoplastic syndrome; Neoplastic Syndromes, Hereditary; Hereditary Cancer Syndrome. Identifiers: Orphanet 140162, MedGen C0027672, MeSH D009386, MONDO:0015356.
Familial cancer of breast. Also called: BREAST CANCER, FAMILIAL; Hereditary breast cancer; hereditary breast carcinoma. Identifiers: Orphanet 227535, MedGen C0346153, MONDO:0016419, OMIM 114480. Disease mechanism: loss of function.

Submissions (2):

Labcorp Genetics (formerly Invitae), Labcorp
Classification: Likely pathogenic for Familial cancer of breast. Last evaluated: 2025-11-18. Review status: criteria provided, single submitter. Criteria: Invitae Variant Classification Sherloc (09022015). Collection method: clinical testing. Allele origin: germline.
Comment: This sequence change affects an acceptor splice site in intron 10 of the CHEK2 gene. It is expected to disrupt RNA splicing. Variants that disrupt the donor or acceptor splice site typically lead to a loss of protein function (PMID: 16199547), and loss-of-function variants in CHEK2 are known to be pathogenic (PMID: 21876083, 24713400). This variant is not present in population databases (gnomAD no frequency). Disruption of this splice site has been observed in individual(s) with breast cancer (PMID: 38355628). ClinVar contains an entry for this variant (Variation ID: 1494515). Algorithms developed to predict the effect of sequence changes on RNA splicing suggest that this variant may disrupt the consensus splice site. In summary, the currently available evidence indicates that the variant is pathogenic, but additional data are needed to prove that conclusively. Therefore, this variant has been classified as Likely Pathogenic.

Ambry Genetics
Classification: Uncertain significance for Hereditary cancer-predisposing syndrome. Last evaluated: 2024-05-31. Review status: criteria provided, single submitter. Criteria: Ambry Variant Classification Scheme 2023. Collection method: clinical testing. Allele origin: germline.
Comment: The c.1096-2A>G intronic variant results from an A to G substitution two nucleotides upstream from coding exon 10 in the CHEK2 gene. This nucleotide position is highly conserved in available vertebrate species. Alterations that disrupt the canonical splice site are expected to result in aberrant splicing. In silico splice site analysis predicts that this alteration will weaken the native splice acceptor site and may result in the creation or strengthening of a novel splice acceptor site. However, one possible resulting transcript is predicted to be in-frame and is not expected to trigger nonsense-mediated mRNA decay; although direct evidence is insufficient (Ambry internal data). The exact functional effect of the altered amino acid sequence is unknown. Based on the available evidence, the clinical significance of this variant remains unclear.

Literature cited by the submitters: PubMed 16199547 (cited by Labcorp Genetics (formerly Invitae), Labcorp); PubMed 21876083 (cited by Labcorp Genetics (formerly Invitae), Labcorp); PubMed 24713400 (cited by Labcorp Genetics (formerly Invitae), Labcorp); PubMed 38355628 (cited by Labcorp Genetics (formerly Invitae), Labcorp).